The following is an entry in ClinVar:

ClinVar aggregate classification (germline): Pathogenic (1 of 4 stars; one submission).

Conditions:
Familial adenomatous polyposis 1 (FAP1). Also called: FAMILIAL ADENOMATOUS POLYPOSIS 1, ATTENUATED; POLYPOSIS, ADENOMATOUS INTESTINAL. Identifiers: MedGen C2713442, MONDO:0021056, OMIM 175100. Disease mechanism: loss of function.

Submission:

Myriad Genetics, Inc.
Classification: Pathogenic for Familial adenomatous polyposis 1. Last evaluated: 2023-05-10. Review status: criteria provided, single submitter. Criteria: Myriad Autosomal Dominant, Autosomal Recessive and X-Linked Classification Criteria (2023). Collection method: clinical testing. Allele origin: unknown.
Comment: This variant is considered pathogenic. This variant creates a frameshift predicted to result in premature protein truncation.

NM_000038.6(APC):c.4091del (p.Ser1364fs)

Gene: APC (APC regulator of Wnt signaling pathway; plus strand). Cytogenetic location: 5q22.2.
Variant type: Deletion.
Coding change: c.4091del on transcript NM_000038.6 (MANE Select); coding-DNA position 4091, one base deleted (G; older notation c.4091delG).
Protein change: p.Ser1364fs; shifts the reading frame from serine 1364.
Molecular consequence: frameshift variant. On other transcripts: non-coding transcript variant (2).
Genome position (GRCh38, 1-based): chr5:112,839,685, G deleted. VCF-style (leftmost placement, unchanged base first): chr5-112839684-AG-A. GRCh37 (hg19) VCF-style: chr5-112175381-AG-A.
Other names: c.3788del, p.Ser1263fs (NM_001407458.1, NM_001407460.1, NM_001407459.1 and 1 more transcripts); c.3704del, p.Ser1235fs (NM_001407469.1, NM_001407467.1); c.4091del, p.Ser1364fs (NM_001127510.3, NM_001354895.2, NM_001407450.1); c.4037del, p.Ser1346fs (NM_001127511.3); c.4145del, p.Ser1382fs (NM_001354896.2, NM_001407447.1, NM_001407448.1 and 1 more transcripts); c.4121del, p.Ser1374fs (NM_001354897.2); c.4016del, p.Ser1339fs (NM_001354898.2); c.4007del, p.Ser1336fs (NM_001354899.2); and 11 more; short protein forms S1081fs, S1204fs, S1235fs, S1238fs, S1263fs, S1273fs, S1281fs, S1305fs.
Identifiers: ClinVar variation 2584110 (VCV002584110.2), dbSNP rs2533547662, ClinGen allele CA2582341552.
Genomic context (GRCh38, chr5:112,839,684, plus strand): 5'-TCAGAATCAGCCAGGCACAAAGCTGTTGAATTTTCTTCAGGAGCGAAATCTCCCTCCAAA[AG>A]TGGTGCTCAGACACCCAAAAGTCCACCTGAACACTATGTTCAGGAGACCCCACTCATGTT-3'